The following is an entry in ClinVar:

NM_001038.6(SCNN1A):c.1559G>C (p.Gly520Ala)

Gene: SCNN1A (sodium channel epithelial 1 subunit alpha; minus strand). Cytogenetic location: 12p13.31.
Variant type: single nucleotide variant.
Coding change: c.1559G>C on transcript NM_001038.6 (MANE Select); coding-DNA position 1559, G replaced by C.
Protein change: p.Gly520Ala; replaces glycine 520 with alanine.
Molecular consequence: missense variant.
Genome position (GRCh38, 1-based): chr12:6,348,797, C>G on the plus strand (G>C on the coding strand, the complement: SCNN1A is on the minus strand). VCF-style: chr12-6348797-C-G. GRCh37 (hg19) VCF-style: chr12-6457963-C-G.
Other names: c.1628G>C, p.Gly543Ala (NM_001159575.2); c.1736G>C, p.Gly579Ala (NM_001159576.2); short protein forms G520A, G579A, G543A.
Identifiers: ClinVar variation 310134 (VCV000310134.6), dbSNP rs72657550, ClinGen allele CA6405774.

ClinVar aggregate classification (germline): Conflicting classifications of pathogenicity. Review status: criteria provided, conflicting classifications (1 of 4 stars). 3 submissions from 2 submitters: Uncertain significance (2); Benign (1). Last evaluated 2024-05-13.

Conditions:
Liddle syndrome 3. Identifiers: MedGen C4748292, MONDO:0029132, OMIM 618126.
Pseudohypoaldosteronism, type IB1, autosomal recessive. Also called: Pseudohypoaldosteronism, Type I, Autosomal Recessive; PHA I, AUTOSOMAL RECESSIVE; Pseudohypoaldosteronism, Type I, Recessive; Autosomal recessive pseudohypoaldosteronism type 1. Identifiers: Orphanet 171876, Orphanet 756, MedGen C5774176, MONDO:0009917, OMIM 264350.
Bronchiectasis with or without elevated sweat chloride 2 (BESC2). Identifiers: Orphanet 60033, MedGen C2751666, MONDO:0013087, OMIM 613021.

Allele frequency attached by ClinVar (database versions not stated): 1000 Genomes Project 30x 0.00016; TOPMed 0.00018; 1000 Genomes Project 0.00020; gnomAD 0.00022; ESP Exome Variant Server 0.00023.
gnomAD v4.1: 732 of 1,613,744 alleles (0.045%); highest among the groups gnomAD compares: Non-Finnish European, 0.058%; no homozygotes.

Submissions (3):

Fulgent Genetics
Classification: Uncertain significance for Pseudohypoaldosteronism, type IB1, autosomal recessive; Bronchiectasis with or without elevated sweat chloride 2; Liddle syndrome 3. Last evaluated: 2024-05-13. Review status: criteria provided, single submitter. Criteria: ACMG Guidelines, 2015. Collection method: clinical testing. Allele origin: germline.

Illumina Laboratory Services, Illumina
Classification: Benign for Bronchiectasis with or without elevated sweat chloride 2. Last evaluated: 2018-01-12. Review status: criteria provided, single submitter. Criteria: ICSL Variant Classification Criteria 13 December 2019. Collection method: clinical testing. Allele origin: germline.
Comment: This variant was observed in the ICSL laboratory as part of a predisposition screen in an ostensibly healthy population. It had not been previously curated by ICSL or reported in the Human Gene Mutation Database (HGMD: prior to June 1st, 2018), and was therefore a candidate for classification through an automated scoring system. Utilizing variant allele frequency, disease prevalence and penetrance estimates, and inheritance mode, an automated score was calculated to assess if this variant is too frequent to cause the disease. Based on the score and internal cut-off values, a variant classified as benign is not then subjected to further curation. The score for this variant resulted in a classification of benign for this disease.

Illumina Laboratory Services, Illumina
Classification: Uncertain significance for Pseudohypoaldosteronism, type IB1, autosomal recessive. Last evaluated: 2018-01-12. Review status: criteria provided, single submitter. Criteria: ICSL Variant Classification Criteria 13 December 2019. Collection method: clinical testing. Allele origin: germline.